The following is an entry in ClinVar:

ClinVar aggregate classification (germline): Pathogenic (0 of 4 stars; one submission).

Conditions:
KRIT1-related disorder. Also called: KRIT1-related condition; KRIT1-related disorders.

Submission:

PreventionGenetics, part of Exact Sciences
Classification: Pathogenic for KRIT1-related condition. Last evaluated: 2024-08-24. Review status: no assertion criteria provided. Collection method: clinical testing. Allele origin: germline.
Comment: The KRIT1 c.557dupT variant is predicted to result in a frameshift and premature protein termination (p.Thr188Asnfs*2). This variant was reported in an individual with cerebral cavernous malformations (Spiegler et al. 2014. PubMed ID: 24689081). This variant has not been reported in a large population database, indicating this variant is rare. Frameshift variants in KRIT1 are expected to be pathogenic. This variant is interpreted as pathogenic.

NM_194454.3(KRIT1):c.557dup (p.Thr188fs)

Gene: KRIT1 (KRIT1 ankyrin repeat containing; minus strand). Cytogenetic location: 7q21.2.
Variant type: Duplication.
Coding change: c.557dup on transcript NM_194454.3 (MANE Select); coding-DNA position 557, one base duplicated (T; older notation c.557dupT).
Protein change: p.Thr188fs; shifts the reading frame from threonine 188.
Molecular consequence: frameshift variant. On other transcripts: 5 prime UTR variant (1).
Genome position (GRCh38, 1-based): chr7:92,235,575, A duplicated on the plus strand (T on the coding strand, the reverse complement: KRIT1 is on the minus strand). VCF-style (leftmost placement, unchanged base first): chr7-92235574-T-TA. GRCh37 (hg19) VCF-style: chr7-91864888-T-TA.
Other names: c.557dup, p.Thr188fs (NM_001013406.2, NM_001350669.1, NM_001350670.1 and 29 more transcripts); c.-27dup (NM_001350671.1); c.557dupT (NM_194456.1); short protein forms T188fs.
Identifiers: ClinVar variation 3344516 (VCV003344516.1).
Genomic context (GRCh38, chr7:92,235,574, plus strand): 5'-TAGTGAGTTTTCTGTCTGACCTGATTCAGTAGCATATGCAGGATTTATGACATTAGTTTT[T>TA]ATCCGCTCAAGAGGAGAAGGTCGGAATAAAGCTGGAATAAAGTGAGATTGTGCATGACGT-3'